The following is an entry in ClinVar:

NM_020877.5(DNAH2):c.10800T>C (p.Thr3600=)

Gene: DNAH2 (dynein axonemal heavy chain 2; plus strand). Cytogenetic location: 17p13.1.
Variant type: single nucleotide variant.
Coding change: c.10800T>C on transcript NM_020877.5 (MANE Select); coding-DNA position 10800, T replaced by C.
Protein change: p.Thr3600=; no amino-acid change (threonine 3600 retained).
Molecular consequence: synonymous variant.
Genome position (GRCh38, 1-based): chr17:7,819,048, T>C. VCF-style: chr17-7819048-T-C. GRCh37 (hg19) VCF-style: chr17-7722366-T-C.
Identifiers: ClinVar variation 3046718 (VCV003046718.2), dbSNP rs2077774759, ClinGen allele CA497940228.
Genomic context (GRCh38, chr17:7,819,048, plus strand): 5'-GATCACAGCCACAGAGGTGACTGAGCAGCTGGAGACCAGTGAGACCACAGAGATCAACAC[T>C]GACTTGGCGCGGGAGGTAAGCTCCCGGCCCTCCAGTCCTGCCTCCCACCAGCCATCCAAG-3'
Protein context (NP_065928.2, residues 3590-3610): LETSETTEIN[Thr3600=]DLAREAYRPC

ClinVar aggregate classification (germline): Likely benign (0 of 4 stars; one submission).

Conditions:
DNAH2-related disorder. Also called: DNAH2-related condition.

Allele frequency attached by ClinVar (database versions not stated): gnomAD exomes 0.00001; TOPMed 0.00001.
gnomAD v4.1: 7 of 1,605,806 alleles (0.00044%); highest among the groups gnomAD compares: Non-Finnish European, 0.00059%; no homozygotes.

Submission:

PreventionGenetics, part of Exact Sciences
Classification: Likely benign for DNAH2-related condition. Last evaluated: 2019-02-18. Review status: no assertion criteria provided. Collection method: clinical testing. Allele origin: germline.
Comment: This variant is classified as likely benign based on ACMG/AMP sequence variant interpretation guidelines (Richards et al. 2015 PMID: 25741868, with internal and published modifications).